The following is an entry in ClinVar:

ClinVar aggregate classification (germline): Pathogenic (1 of 4 stars; one submission).

Conditions:
Urocanate hydratase deficiency (UROCD). Also called: UROCANASE DEFICIENCY; Urocanic aciduria. Identifiers: Orphanet 210128, MedGen C0268514, MONDO:0010167, OMIM 276880, HP:0012237.

Submission:

3billion
Classification: Pathogenic for Urocanate hydratase deficiency. Last evaluated: 2023-12-07. Review status: criteria provided, single submitter. Criteria: ACMG Guidelines, 2015. Collection method: clinical testing. Allele origin: germline. Affected: yes.
Comment: The variant is observed at an extremely low frequency in the gnomAD v2.1.1 dataset (total allele frequency: <0.001%). Predicted Consequence/Location: Frameshift: predicted to result in a loss or disruption of normal protein function through nonsense-mediated decay (NMD) or protein truncation. Multiple pathogenic variants are reported downstream of the variant. Therefore, this variant is classified as VUS according to the recommendation of ACMG/AMP guideline.

NM_144639.3(UROC1):c.903-29del

Gene: UROC1 (urocanate hydratase 1; minus strand). Cytogenetic location: 3q21.3.
Variant type: Deletion.
Coding change: c.903-29del on transcript NM_144639.3 (MANE Select); 29 bases into the intron before coding-DNA position 903, one base deleted (G; older notation c.903-29delG).
Molecular consequence: intron variant. On other transcripts: splice acceptor variant (1).
Genome position (GRCh38, 1-based): chr3:126,501,309, C deleted on the plus strand (G on the coding strand, the reverse complement: UROC1 is on the minus strand); the first of 5 consecutive C bases (chr3:126,501,309-126,501,313); deleting any one gives the same sequence. VCF-style (leftmost placement, unchanged base first): chr3-126501308-GC-G. GRCh37 (hg19) VCF-style: chr3-126220151-GC-G.
Other names: c.1054del (NM_001165974.2).
Identifiers: ClinVar variation 3776010 (VCV003776010.1).